The following is an entry in ClinVar:

ClinVar aggregate classification (germline): Uncertain significance. Review status: criteria provided, multiple submitters, no conflicts (2 of 4 stars). 2 submissions from 2 submitters: Uncertain significance (2). Last evaluated 2024-11-08.

Conditions:
Focal segmental glomerulosclerosis 5 (FSGS5). Identifiers: Orphanet 656, MedGen C2750475, MONDO:0013191, OMIM 613237.
Charcot-Marie-Tooth disease dominant intermediate E. Also called: CHARCOT-MARIE-TOOTH NEUROPATHY WITH FOCAL SEGMENTAL GLOMERULONEPHRITIS. Identifiers: Orphanet 93114, MedGen C4302667, MONDO:0013758, OMIM 614455.

Allele frequency attached by ClinVar (database versions not stated): gnomAD exomes below 0.00001; gnomAD 0.00001; TOPMed 0.00001.

Submissions (2):

Labcorp Genetics (formerly Invitae), Labcorp
Classification: Uncertain significance for Charcot-Marie-Tooth disease dominant intermediate E; Focal segmental glomerulosclerosis 5. Last evaluated: 2024-11-08. Review status: criteria provided, single submitter. Criteria: Invitae Variant Classification Sherloc (09022015). Collection method: clinical testing. Allele origin: germline.
Comment: This sequence change replaces arginine, which is basic and polar, with histidine, which is basic and polar, at codon 1028 of the INF2 protein (p.Arg1028His). The frequency data for this variant in the population databases is considered unreliable, as metrics indicate poor data quality at this position in the gnomAD database. This variant has not been reported in the literature in individuals affected with INF2-related conditions. ClinVar contains an entry for this variant (Variation ID: 573357). Invitae Evidence Modeling of protein sequence and biophysical properties (such as structural, functional, and spatial information, amino acid conservation, physicochemical variation, residue mobility, and thermodynamic stability) indicates that this missense variant is not expected to disrupt INF2 protein function with a negative predictive value of 95%. In summary, the available evidence is currently insufficient to determine the role of this variant in disease. Therefore, it has been classified as a Variant of Uncertain Significance.

Blueprint Genetics
Classification: Uncertain significance. Last evaluated: 2020-07-17. Review status: criteria provided, single submitter. Criteria: ACMG Guidelines, 2015. Collection method: clinical testing. Allele origin: germline.

NM_022489.4(INF2):c.3083G>A (p.Arg1028His)

Gene: INF2 (inverted formin 2; plus strand). Cytogenetic location: 14q32.33.
Variant type: single nucleotide variant.
Coding change: c.3083G>A on transcript NM_022489.4 (MANE Select); coding-DNA position 3083, G replaced by A.
Protein change: p.Arg1028His; replaces arginine 1028 with histidine.
Molecular consequence: missense variant.
Genome position (GRCh38, 1-based): chr14:104,714,245, G>A. VCF-style: chr14-104714245-G-A. GRCh37 (hg19) VCF-style: chr14-105180582-G-A.
Other names: c.3083G>A, p.Arg1028His (NM_001031714.4); short protein forms R1028H.
Identifiers: ClinVar variation 573357 (VCV000573357.9), dbSNP rs1368908308, ClinGen allele CA391223457.